The following is an entry in ClinVar:

NM_172250.3(MMAA):c.206del (p.Thr69fs)

Gene: MMAA (metabolism of cobalamin associated A; plus strand). Cytogenetic location: 4q31.21.
Variant type: Deletion.
Coding change: c.206del on transcript NM_172250.3 (MANE Select); coding-DNA position 206, one base deleted (C; older notation c.206delC).
Protein change: p.Thr69fs; shifts the reading frame from threonine 69.
Molecular consequence: frameshift variant.
Genome position (GRCh38, 1-based): chr4:145,639,345, C deleted. VCF-style (leftmost placement, unchanged base first): chr4-145639344-AC-A. GRCh37 (hg19) VCF-style: chr4-146560496-AC-A.
Other names: short protein forms T69fs.
Identifiers: ClinVar variation 556914 (VCV000556914.3), dbSNP rs1553957901, ClinGen allele CA658823106.

ClinVar aggregate classification (germline): Likely pathogenic. Review status: criteria provided, single submitter (1 of 4 stars). 2 submissions from 2 submitters: Likely pathogenic (1). 1 of the submissions does not count toward it. Last evaluated 2024-09-30.

Conditions:
Methylmalonic aciduria, cblA type (MACA). Also called: Vitamin B12-responsive methylmalonic acidemia type cblA; Methylmalonic aciduria, vitamin b12-responsive, due to defect in synthesis of adenosylcobalamin, cbla complementation type; MMA cbl A type; Methylmalonic acidemia cblA type; Methylmalonic aciduria, vitamin B12-responsive. Identifiers: Orphanet 28, Orphanet 79310, MedGen C1855109, MONDO:0009613, OMIM 251100.

Submissions (2):

Natera, Inc.
Classification: Likely pathogenic for Methylmalonic aciduria cblA type. Last evaluated: 2024-09-30. Review status: criteria provided, single submitter. Criteria: Natera Variant Classification Schema (03/2026). Collection method: clinical testing. Allele origin: germline.
Comment: The c.206delC variant in MMAA is a frameshift variant predicted to shift the reading frame beginning at codon 69 and leads to a stop codon 3 codons downstream. This variant is expected to result in nonsense mediated decay, truncation, or a dysfunctional protein product. This variant is rare in the general population with a frequency below the threshold expected for the associated phenotype(s). Given the available evidence, this variant is classified as Likely Pathogenic.

Counsyl
Classification: Likely pathogenic for Methylmalonic aciduria, cblA type. Last evaluated: 2018-02-27. Review status: no assertion criteria provided. Collection method: clinical testing. Allele origin: unknown. Not counted in ClinVar's aggregate classification.